The following is an entry in ClinVar:

NM_001267550.2(TTN):c.77139_77140del (p.Asn25713fs)

Genes: TTN (titin; minus strand), TTN-AS1 (TTN antisense RNA 1; plus strand). Cytogenetic location: 2q31.2.
Variant type: Deletion.
Coding change: c.77139_77140del on transcript NM_001267550.2 (MANE Select); coding-DNA positions 77139 to 77140, 2 bases deleted (CA; older notation c.77139_77140delCA).
Protein change: p.Asn25713fs; shifts the reading frame from asparagine 25713.
Molecular consequence: frameshift variant.
Genome position (GRCh38, 1-based): chr2:178,568,992-178,568,993, TG deleted on the plus strand (CA on the coding strand, the reverse complement: TTN is on the minus strand); deleting any 2 consecutive bases within chr2:178,568,992-178,568,994 gives the same sequence; the c. name uses the placement nearest the transcript's 3' end. VCF-style (leftmost placement, unchanged base first): chr2-178568991-CTG-C. GRCh37 (hg19) VCF-style: chr2-179433718-CTG-C.
Other names: c.69435_69436del, p.Asn23145fs (NM_133378.4); c.50319_50320del, p.Asn16773fs (NM_133432.3); c.72216_72217del, p.Asn24072fs (NM_001256850.1); c.49944_49945del, p.Asn16648fs (NM_003319.4); c.50520_50521del, p.Asn16840fs (NM_133437.4); short protein forms N16648fs, N16773fs, N16840fs, N23145fs, N24072fs, N25713fs.
Identifiers: ClinVar variation 3774598 (VCV003774598.2).

ClinVar aggregate classification (germline): Likely pathogenic (1 of 4 stars; one submission).

Conditions:
Dilated cardiomyopathy 1G (CMD1G). Identifiers: Orphanet 154, MedGen C1858763, MONDO:0011400, OMIM 604145.

Submission:

CGC Genetics, Unilabs
Classification: Likely pathogenic for Dilated cardiomyopathy 1G. Last evaluated: 2024-12-04. Review status: criteria provided, single submitter. Criteria: ACMG Guidelines, 2015. Collection method: clinical testing. Allele origin: germline. Inheritance: Autosomal dominant inheritance. Affected: yes. Observed: 1 heterozygote.
Comment: The variant NM_133378.4:c.69435_69436del p.(Asn23145Lysfs*10), detected in heterozygosity in exon 275 (of 312) of the TTN gene (chr.2), is not reported in the literature at the time of this submission, nor in gnomAD. It is located in the A-band, with a PSI score of 100. It is a frameshift variant that introduces a premature stop codon, which in turn is expected to lead to the creation of a truncated protein and/or a reduction in its expression due to mRNA degradation. With the information currently available, this should be classified as a likely pathogenic variant. ACMG codes: PVS1; PM2_supporting.